The following is an entry in ClinVar:

ClinVar aggregate classification (germline): Uncertain significance (1 of 4 stars; one submission).

Conditions:
Cardiovascular phenotype. Identifiers: MedGen CN230736.

gnomAD v4.1: 1 of 1,510,860 alleles (0.000066%); highest among the groups gnomAD compares: Non-Finnish European, 0.000088%; no homozygotes.

Submission:

Ambry Genetics
Classification: Uncertain significance for Cardiovascular phenotype. Last evaluated: 2026-09-10. Review status: criteria provided, single submitter. Criteria: Ambry Variant Classification Scheme 2023. Collection method: clinical testing. Allele origin: germline.
Comment: The p.L3V variant (also known as c.7C>G), located in coding exon 1 of the RBM20 gene, results from a C to G substitution at nucleotide position 7. The leucine at codon 3 is replaced by valine, an amino acid with highly similar properties. This amino acid position is well conserved in available vertebrate species. In addition, this alteration is predicted to be tolerated by in silico analysis. Based on the available evidence, the clinical significance of this variant remains unclear.

NM_001134363.3(RBM20):c.7C>G (p.Leu3Val)

Gene: RBM20 (RNA binding motif protein 20; plus strand). Cytogenetic location: 10q25.2.
Variant type: single nucleotide variant.
Coding change: c.7C>G on transcript NM_001134363.3 (MANE Select); coding-DNA position 7, C replaced by G.
Protein change: p.Leu3Val; replaces leucine 3 with valine.
Molecular consequence: missense variant.
Genome position (GRCh38, 1-based): chr10:110,644,461, C>G. VCF-style: chr10-110644461-C-G. GRCh37 (hg19) VCF-style: chr10-112404219-C-G.
Other names: short protein forms L3V.
Identifiers: ClinVar variation 5028025 (VCV005028025.1).